The following is an entry in ClinVar:

NM_006949.4(STXBP2):c.291C>A (p.Phe97Leu)

Gene: STXBP2 (syntaxin binding protein 2; plus strand). Cytogenetic location: 19p13.2.
Variant type: single nucleotide variant.
Coding change: c.291C>A on transcript NM_006949.4 (MANE Select); coding-DNA position 291, C replaced by A.
Protein change: p.Phe97Leu; replaces phenylalanine 97 with leucine.
Molecular consequence: missense variant. On other transcripts: non-coding transcript variant (1).
Genome position (GRCh38, 1-based): chr19:7,640,775, C>A. VCF-style: chr19-7640775-C-A. GRCh37 (hg19) VCF-style: chr19-7705661-C-A.
Other names: c.282C>A, p.Phe94Leu (NM_001127396.3); c.324C>A, p.Phe108Leu (NM_001272034.2); short protein forms F97L, F108L, F94L.
Identifiers: ClinVar variation 1046705 (VCV001046705.6), dbSNP rs1246771714, ClinGen allele CA403157476.

ClinVar aggregate classification (germline): Uncertain significance (1 of 4 stars; one submission).

Conditions:
Familial hemophagocytic lymphohistiocytosis 5. Also called: STXBP2-Related Familial Hemophagocytic Lymphohistiocytosis (STXBP2-fHLH). Identifiers: Orphanet 540, MedGen C2751293, MONDO:0013135, OMIM 613101.

Allele frequency attached by ClinVar (database versions not stated): gnomAD exomes below 0.00001 and 0.00001; gnomAD 0.00001; TOPMed 0.00001.
gnomAD v4.1: 12 of 1,614,064 alleles (0.00074%); highest among the groups gnomAD compares: Non-Finnish European, 0.00093%; no homozygotes.

Submission:

Labcorp Genetics (formerly Invitae), Labcorp
Classification: Uncertain significance for Familial hemophagocytic lymphohistiocytosis 5. Last evaluated: 2022-10-13. Review status: criteria provided, single submitter. Criteria: Invitae Variant Classification Sherloc (09022015). Collection method: clinical testing. Allele origin: germline.
Comment: This sequence change replaces phenylalanine, which is neutral and non-polar, with leucine, which is neutral and non-polar, at codon 97 of the STXBP2 protein (p.Phe97Leu). This variant is present in population databases (no rsID available, gnomAD 0.0009%). This variant has not been reported in the literature in individuals affected with STXBP2-related conditions. ClinVar contains an entry for this variant (Variation ID: 1046705). Algorithms developed to predict the effect of missense changes on protein structure and function are either unavailable or do not agree on the potential impact of this missense change (SIFT: "Tolerated"; PolyPhen-2: "Possibly Damaging"; Align-GVGD: "Class C0"). In summary, the available evidence is currently insufficient to determine the role of this variant in disease. Therefore, it has been classified as a Variant of Uncertain Significance.